The following is an entry in ClinVar:

ClinVar aggregate classification (germline): Uncertain significance (1 of 4 stars; one submission).

Conditions:
Cardiovascular phenotype. Identifiers: MedGen CN230736.

Submission:

Ambry Genetics
Classification: Uncertain significance for Cardiovascular phenotype. Last evaluated: 2026-02-14. Review status: criteria provided, single submitter. Criteria: Ambry Variant Classification Scheme 2023. Collection method: clinical testing. Allele origin: germline.
Comment: The p.K257N variant (also known as c.771G>T), located in coding exon 7 of the MYH7 gene, results from a G to T substitution at nucleotide position 771. The lysine at codon 257 is replaced by asparagine, an amino acid with similar properties. This amino acid position is conserved. In addition, this alteration is predicted to be tolerated by in silico analysis. Based on the available evidence, the clinical significance of this variant remains unclear.

NM_000257.4(MYH7):c.771G>T (p.Lys257Asn)

Gene: MYH7 (myosin heavy chain 7; minus strand). Cytogenetic location: 14q11.2.
Variant type: single nucleotide variant.
Coding change: c.771G>T on transcript NM_000257.4 (MANE Select); coding-DNA position 771, G replaced by T.
Protein change: p.Lys257Asn; replaces lysine 257 with asparagine.
Molecular consequence: missense variant.
Genome position (GRCh38, 1-based): chr14:23,431,443, C>A on the plus strand (G>T on the coding strand, the complement: MYH7 is on the minus strand). VCF-style: chr14-23431443-C-A. GRCh37 (hg19) VCF-style: chr14-23900652-C-A.
Other names: c.771G>T, p.Lys257Asn (NM_001407004.1); short protein forms K257N.
Identifiers: ClinVar variation 4844336 (VCV004844336.1).